The following is an entry in ClinVar:

ClinVar aggregate classification (germline): Uncertain significance (1 of 4 stars; one submission).

Conditions:
Larsen-like syndrome, B3GAT3 type. Also called: Multiple joint dislocations, short stature, craniofacial dysmorphism, with or without congenital heart defects; MULTIPLE JOINT DISLOCATIONS, SHORT STATURE, AND CRANIOFACIAL DYSMORPHISM WITH OR WITHOUT CONGENITAL HEART DEFECTS. Identifiers: Orphanet 284139, MedGen CN034159, MONDO:0009511, OMIM 245600.

Allele frequency attached by ClinVar (database versions not stated): TOPMed 0.00001; gnomAD 0.00001.
gnomAD v4.1: 4 of 1,611,880 alleles (0.00025%); highest among the groups gnomAD compares: African/African-American, 0.004%; no homozygotes.

Submission:

Labcorp Genetics (formerly Invitae), Labcorp
Classification: Uncertain significance for Larsen-like syndrome, B3GAT3 type. Last evaluated: 2021-10-10. Review status: criteria provided, single submitter. Criteria: Invitae Variant Classification Sherloc (09022015). Collection method: clinical testing. Allele origin: germline.
Comment: In summary, the available evidence is currently insufficient to determine the role of this variant in disease. Therefore, it has been classified as a Variant of Uncertain Significance. Algorithms developed to predict the effect of missense changes on protein structure and function (SIFT, PolyPhen-2, Align-GVGD) all suggest that this variant is likely to be tolerated. This variant has not been reported in the literature in individuals affected with B3GAT3-related conditions. This variant is not present in population databases (ExAC no frequency). This sequence change replaces alanine with threonine at codon 85 of the B3GAT3 protein (p.Ala85Thr). The alanine residue is highly conserved and there is a small physicochemical difference between alanine and threonine.

NM_012200.4(B3GAT3):c.253G>A (p.Ala85Thr)

Gene: B3GAT3 (beta-1,3-glucuronyltransferase 3; minus strand). Cytogenetic location: 11q12.3.
Variant type: single nucleotide variant.
Coding change: c.253G>A on transcript NM_012200.4 (MANE Select); coding-DNA position 253, G replaced by A.
Protein change: p.Ala85Thr; replaces alanine 85 with threonine.
Molecular consequence: missense variant. On other transcripts: non-coding transcript variant (1).
Genome position (GRCh38, 1-based): chr11:62,620,501, C>T on the plus strand (G>A on the coding strand, the complement: B3GAT3 is on the minus strand). VCF-style: chr11-62620501-C-T. GRCh37 (hg19) VCF-style: chr11-62387973-C-T.
Other names: c.232G>A, p.Ala78Thr (NM_001288721.2); c.253G>A, p.Ala85Thr (NM_001288722.2, NM_001288723.2); short protein forms A78T, A85T.
Identifiers: ClinVar variation 1524045 (VCV001524045.6), dbSNP rs1438535552, ClinGen allele CA380980325.